The following is an entry in ClinVar:

ClinVar aggregate classification (germline): Pathogenic. Review status: criteria provided, multiple submitters, no conflicts (2 of 4 stars). 2 submissions from 2 submitters: Pathogenic (2). Last evaluated 2025-10-20.

Conditions:
Mucopolysaccharidosis type 7 (MPS7). Also called: MPS VII; BETA-GLUCURONIDASE DEFICIENCY; GUSB DEFICIENCY; SLY SYNDROME. Identifiers: Orphanet 584, MedGen C0085132, MONDO:0009662, OMIM 253220.

Submissions (2):

Women's Health and Genetics/Laboratory Corporation of America, LabCorp
Classification: Pathogenic for Mucopolysaccharidosis type 7. Last evaluated: 2025-10-20. Review status: criteria provided, single submitter. Criteria: LabCorp Variant Classification Summary - May 2015. Collection method: clinical testing. Allele origin: germline.
Comment: Variant summary: GUSB c.507dupT (p.Ile170TyrfsX22) results in a premature termination codon, predicted to cause a truncation of the encoded protein or absence of the protein due to nonsense mediated decay, which are commonly known mechanisms for disease. The variant was absent in 250908 control chromosomes. To our knowledge, no occurrence of c.507dupT in individuals affected with GUSB-related conditions and no experimental evidence demonstrating its impact on protein function have been reported. ClinVar contains an entry for this variant (Variation ID: 2863642). Based on the evidence outlined above, the variant was classified as pathogenic.

Labcorp Genetics (formerly Invitae), Labcorp
Classification: Pathogenic for Mucopolysaccharidosis type 7. Last evaluated: 2023-05-12. Review status: criteria provided, single submitter. Criteria: Invitae Variant Classification Sherloc (09022015). Collection method: clinical testing. Allele origin: germline.
Comment: This sequence change creates a premature translational stop signal (p.Ile170Tyrfs*22) in the GUSB gene. It is expected to result in an absent or disrupted protein product. Loss-of-function variants in GUSB are known to be pathogenic (PMID: 19224584). This variant is not present in population databases (gnomAD no frequency). This variant has not been reported in the literature in individuals affected with GUSB-related conditions. Algorithms developed to predict the effect of sequence changes on RNA splicing suggest that this variant may disrupt the consensus splice site. For these reasons, this variant has been classified as Pathogenic.

Literature cited by the submitters: PubMed 19224584 (cited by Labcorp Genetics (formerly Invitae), Labcorp).

NM_000181.4(GUSB):c.507dup (p.Ile170fs)

Gene: GUSB (glucuronidase beta; minus strand). Cytogenetic location: 7q11.21.
Variant type: Duplication.
Coding change: c.507dup on transcript NM_000181.4 (MANE Select); coding-DNA position 507, one base duplicated (T; older notation c.507dupT).
Protein change: p.Ile170fs; shifts the reading frame from isoleucine 170.
Molecular consequence: frameshift variant. On other transcripts: non-coding transcript variant (1), intron variant (3).
Genome position (GRCh38, 1-based): chr7:65,979,801, A duplicated on the plus strand (T on the coding strand, the reverse complement: GUSB is on the minus strand). VCF-style (leftmost placement, unchanged base first): chr7-65979800-T-TA. GRCh37 (hg19) VCF-style: chr7-65444787-T-TA.
Other names: c.67+423dup (NM_001293105.2); c.12-260dup (NM_001293104.2); c.474+33dup (NM_001284290.2); c.507dupT (NM_000181.4); short protein forms I170fs.
Identifiers: ClinVar variation 2863642 (VCV002863642.4), dbSNP rs2484841000, ClinGen allele CA2739266452.